The following is an entry in ClinVar:

ClinVar aggregate classification (germline): Benign. Review status: criteria provided, multiple submitters, no conflicts (2 of 4 stars). 4 submissions from 4 submitters: Benign (3). 1 of the submissions does not count toward it. Last evaluated 2018-11-12.

Conditions:
PICALM-related disorder. Also called: PICALM-related condition.

Allele frequency attached by ClinVar (database versions not stated): gnomAD exomes 0.77866 and 0.79484; ExAC 0.78612; 1000 Genomes Project 0.78874; 1000 Genomes Project 30x 0.79247; TOPMed 0.81424; gnomAD 0.81756 and 0.82244; ESP Exome Variant Server 0.83410.
gnomAD v4.1: 1,250,802 of 1,569,742 alleles (80%); highest among the groups gnomAD compares: African/African-American, 89%; 499,942 homozygotes.

Submissions (4):

GeneDx
Classification: Benign. Last evaluated: 2018-11-12. Review status: criteria provided, single submitter. Criteria: GeneDx Variant Classification Process June 2021. Collection method: clinical testing. Allele origin: germline. Affected: yes.
Comment: This variant is associated with the following publications: (PMID: 28171541)

Laboratory for Molecular Medicine, Mass General Brigham Personalized Medicine
Classification: Benign. Last evaluated: 2016-03-29. Review status: criteria provided, single submitter. Criteria: LMM Criteria. Collection method: clinical testing. Allele origin: germline.
Comment: Variant identified in a genome or exome case(s) and assessed due to predicted null impact of the variant or pathogenic assertions in the literature or databases. Disclaimer: This variant has not undergone full assessment. The following are preliminary notes: Frequency

Breakthrough Genomics
Classification: Benign. Review status: criteria provided, single submitter. Criteria: ACMG Guidelines, 2015. Collection method: not provided. Allele origin: germline. Inheritance: Autosomal dominant inheritance. Affected: yes.

PreventionGenetics, part of Exact Sciences
Classification: Benign for PICALM-related condition. Last evaluated: 2019-10-16. Review status: no assertion criteria provided. Collection method: clinical testing. Allele origin: germline. Not counted in ClinVar's aggregate classification.
Comment: This variant is classified as benign based on ACMG/AMP sequence variant interpretation guidelines (Richards et al. 2015 PMID: 25741868, with internal and published modifications).

NM_007166.4(PICALM):c.522G>A (p.Gln174=)

Gene: PICALM (phosphatidylinositol binding clathrin assembly protein; minus strand). Cytogenetic location: 11q14.2.
Variant type: single nucleotide variant.
Coding change: c.522G>A on transcript NM_007166.4 (MANE Select); coding-DNA position 522, G replaced by A.
Protein change: p.Gln174=; no amino-acid change (glutamine 174 retained).
Molecular consequence: synonymous variant.
Genome position (GRCh38, 1-based): chr11:86,014,894, C>T on the plus strand (G>A on the coding strand, the complement: PICALM is on the minus strand). VCF-style: chr11-86014894-C-T. GRCh37 (hg19) VCF-style: chr11-85725937-C-T.
Other names: c.522G>A, p.Gln174= (NM_001008660.3, NM_001206946.2); c.369G>A, p.Gln123= (NM_001206947.2).
Identifiers: ClinVar variation 403299 (VCV000403299.9), dbSNP rs592297, ClinGen allele CA6216088.
Genomic context (GRCh38, chr11:86,014,894, plus strand): 5'-TTTTTTAAAATCTTAAATTACAAAAGCATAACTCACATTAAAATCAAGAAGTGCATCCAT[C>T]TGATTCTGAATAATTGGTACAGTTTTTAGGAGTTTTTCTGTGTTCATTGTTCTCATAACT-3'
Protein context (NP_009097.2, residues 164-184): LLKTVPIIQN[Gln174=]MDALLDFNVN